The following is an entry in ClinVar:

NM_004606.5(TAF1):c.3104C>T (p.Thr1035Ile)

Gene: TAF1 (TATA-box binding protein associated factor 1; plus strand). Cytogenetic location: Xq13.1.
Variant type: single nucleotide variant.
Coding change: c.3104C>T on transcript NM_004606.5 (MANE Select); coding-DNA position 3104, C replaced by T.
Protein change: p.Thr1035Ile; replaces threonine 1035 with isoleucine.
Molecular consequence: missense variant. On other transcripts: non-coding transcript variant (9).
Genome position (GRCh38, 1-based): chrX:71,393,353, C>T. VCF-style: chrX-71393353-C-T. GRCh37 (hg19) VCF-style: chrX-70613203-C-T.
Other names: c.3104C>T, p.Thr1035Ile (NM_001286074.2); c.3041C>T, p.Thr1014Ile (NM_138923.4); short protein forms T1014I, T1035I.
Identifiers: ClinVar variation 3965069 (VCV003965069.1).
Genomic context (GRCh38, chrX:71,393,353, plus strand): 5'-TCTCGTAGATTAAAAAGTTGTCCCGCTGGGAAGTGATTGATGTGGTGCGCACAATGTCAA[C>T]AGAACAGGCTCGTTCTGGAGAGGGGCCCATGAGTAAATTTGCCCGTGGATCAAGGTTTTC-3'
Protein context (NP_004597.3, residues 1025-1045): EVIDVVRTMS[Thr1035Ile]EQARSGEGPM

ClinVar aggregate classification (germline): Uncertain significance (1 of 4 stars; one submission).

Conditions:
Inborn genetic diseases. Identifiers: MedGen C0950123, MeSH D030342.

Submission:

Ambry Genetics
Classification: Uncertain significance for Inborn genetic diseases. Last evaluated: 2025-03-20. Review status: criteria provided, single submitter. Criteria: Ambry Variant Classification Scheme 2023. Collection method: clinical testing. Allele origin: germline.
Comment: The c.3164C>T (p.T1055I) alteration is located in coding exon 21 of the TAF1 gene. This alteration results from a C to T substitution at nucleotide position 3164, causing the threonine (T) at amino acid position 1055 to be replaced by an isoleucine (I). This variant was not reported in population-based cohorts in the Genome Aggregation Database (gnomAD). This amino acid position is highly conserved in available vertebrate species. This missense alteration is located in a region that has a low rate of benign missense variation (Lek, 2016; Firth, 2009). The in silico prediction for this alteration is inconclusive. Based on insufficient or conflicting evidence, the clinical significance of this alteration remains unclear.